The following is an entry in ClinVar:

ClinVar aggregate classification (germline): Uncertain significance (1 of 4 stars; one submission).

Conditions:
Combined oxidative phosphorylation defect type 14. Also called: Combined oxidative phosphorylation deficiency 14. Identifiers: Orphanet 319519, MedGen C4755312, MONDO:0013986, OMIM 614946.

Allele frequency attached by ClinVar (database versions not stated): gnomAD exomes below 0.00001; TOPMed below 0.00001; gnomAD 0.00001.
gnomAD v4.1: 3 of 1,612,544 alleles (0.00019%); highest among the groups gnomAD compares: African/African-American, 0.0013%; no homozygotes.

Submission:

Labcorp Genetics (formerly Invitae), Labcorp
Classification: Uncertain significance for Combined oxidative phosphorylation defect type 14. Last evaluated: 2022-02-18. Review status: criteria provided, single submitter. Criteria: Invitae Variant Classification Sherloc (09022015). Collection method: clinical testing. Allele origin: germline.
Comment: This variant is not present in population databases (gnomAD no frequency). This sequence change replaces alanine, which is neutral and non-polar, with threonine, which is neutral and polar, at codon 362 of the FARS2 protein (p.Ala362Thr). This variant has not been reported in the literature in individuals affected with FARS2-related conditions. In summary, the available evidence is currently insufficient to determine the role of this variant in disease. Therefore, it has been classified as a Variant of Uncertain Significance. Advanced modeling of protein sequence and biophysical properties (such as structural, functional, and spatial information, amino acid conservation, physicochemical variation, residue mobility, and thermodynamic stability) performed at Invitae indicates that this missense variant is not expected to disrupt FARS2 protein function.

NM_006567.5(FARS2):c.1084G>A (p.Ala362Thr)

Gene: FARS2 (phenylalanyl-tRNA synthetase 2, mitochondrial; plus strand). Cytogenetic location: 6p25.1.
Variant type: single nucleotide variant.
Coding change: c.1084G>A on transcript NM_006567.5 (MANE Select); coding-DNA position 1084, G replaced by A.
Protein change: p.Ala362Thr; replaces alanine 362 with threonine.
Molecular consequence: missense variant.
Genome position (GRCh38, 1-based): chr6:5,613,187, G>A. VCF-style: chr6-5613187-G-A. GRCh37 (hg19) VCF-style: chr6-5613420-G-A.
Other names: c.1084G>A, p.Ala362Thr (NM_001318872.2, NM_001374875.1, NM_001374876.1 and 4 more transcripts); c.952G>A, p.Ala318Thr (NM_001375258.1); c.388G>A, p.Ala130Thr (NM_001375259.1, NM_001375260.1); short protein forms A130T, A362T, A318T.
Identifiers: ClinVar variation 1923571 (VCV001923571.3), dbSNP rs1775281586, ClinGen allele CA362736787.